The following is an entry in ClinVar:

NM_001563.4(IMPG1):c.2378A>G (p.Asp793Gly)

Gene: IMPG1 (interphotoreceptor matrix proteoglycan 1; minus strand). Cytogenetic location: 6q14.1.
Variant type: single nucleotide variant.
Coding change: c.2378A>G on transcript NM_001563.4 (MANE Select); coding-DNA position 2378, A replaced by G.
Protein change: p.Asp793Gly; replaces aspartic acid 793 with glycine.
Molecular consequence: missense variant.
Genome position (GRCh38, 1-based): chr6:75,922,105, T>C on the plus strand (A>G on the coding strand, the complement: IMPG1 is on the minus strand). VCF-style: chr6-75922105-T-C. GRCh37 (hg19) VCF-style: chr6-76631822-T-C.
Other names: c.2144A>G, p.Asp715Gly (NM_001282368.2); short protein forms D715G, D793G.
Identifiers: ClinVar variation 4723910 (VCV004723910.1).

ClinVar aggregate classification (germline): Uncertain significance (1 of 4 stars; one submission).

Submission:

Labcorp Genetics (formerly Invitae), Labcorp
Classification: Uncertain significance. Last evaluated: 2025-12-16. Review status: criteria provided, single submitter. Criteria: Invitae Variant Classification Sherloc (09022015). Collection method: clinical testing. Allele origin: germline.
Comment: This sequence change replaces aspartic acid, which is acidic and polar, with glycine, which is neutral and non-polar, at codon 793 of the IMPG1 protein (p.Asp793Gly). This variant is not present in population databases (gnomAD no frequency). This variant has not been reported in the literature in individuals affected with IMPG1-related conditions. An algorithm developed to predict the effect of missense changes on protein structure and function (PolyPhen-2) suggests that this variant is likely to be tolerated. In summary, the available evidence is currently insufficient to determine the role of this variant in disease. Therefore, it has been classified as a Variant of Uncertain Significance.